The following is an entry in ClinVar:

ClinVar aggregate classification (germline): Uncertain significance (1 of 4 stars; one submission).

Conditions:
Kostmann syndrome (SCN3). Also called: Autosomal recessive severe congenital neutropenia type 3; KOSTMANN DISEASE. Identifiers: Orphanet 99749, MedGen C5235141, MONDO:0012548, OMIM 610738.

Submission:

Labcorp Genetics (formerly Invitae), Labcorp
Classification: Uncertain significance for Kostmann syndrome. Last evaluated: 2022-12-03. Review status: criteria provided, single submitter. Criteria: Invitae Variant Classification Sherloc (09022015). Collection method: clinical testing. Allele origin: germline.
Comment: In summary, the available evidence is currently insufficient to determine the role of this variant in disease. Therefore, it has been classified as a Variant of Uncertain Significance. Advanced modeling of protein sequence and biophysical properties (such as structural, functional, and spatial information, amino acid conservation, physicochemical variation, residue mobility, and thermodynamic stability) performed at Invitae indicates that this missense variant is not expected to disrupt HAX1 protein function. This variant has not been reported in the literature in individuals affected with HAX1-related conditions. This variant is not present in population databases (gnomAD no frequency). This sequence change replaces alanine, which is neutral and non-polar, with valine, which is neutral and non-polar, at codon 260 of the HAX1 protein (p.Ala260Val).

NM_006118.4(HAX1):c.779C>T (p.Ala260Val)

Gene: HAX1 (HCLS1 associated protein X-1; plus strand). Cytogenetic location: 1q21.3.
Variant type: single nucleotide variant.
Coding change: c.779C>T on transcript NM_006118.4 (MANE Select); coding-DNA position 779, C replaced by T.
Protein change: p.Ala260Val; replaces alanine 260 with valine.
Molecular consequence: missense variant.
Genome position (GRCh38, 1-based): chr1:154,275,640, C>T. VCF-style: chr1-154275640-C-T. GRCh37 (hg19) VCF-style: chr1-154248116-C-T.
Other names: c.635C>T, p.Ala212Val (NM_001018837.2); short protein forms A212V, A260V.
Identifiers: ClinVar variation 2807635 (VCV002807635.3), dbSNP rs2524939276, ClinGen allele CA342594079.